The following is an entry in ClinVar:

NM_000218.3(KCNQ1):c.922-3C>A

Gene: KCNQ1 (potassium voltage-gated channel subfamily Q member 1; plus strand). Cytogenetic location: 11p15.5.
Variant type: single nucleotide variant.
Coding change: c.922-3C>A on transcript NM_000218.3 (MANE Select); 3 bases into the intron before coding-DNA position 922, C replaced by A.
Molecular consequence: intron variant.
Genome position (GRCh38, 1-based): chr11:2,583,432, C>A. VCF-style: chr11-2583432-C-A. GRCh37 (hg19) VCF-style: chr11-2604662-C-A.
Other names: c.652-3C>A (NM_001406837.1); c.922-3C>A (NM_001406836.1); c.478-3C>A (NM_001406838.1); c.541-3C>A (NM_181798.2).
Identifiers: ClinVar variation 200825 (VCV000200825.20), dbSNP rs794728515, ClinGen allele CA008690.

ClinVar aggregate classification (germline): Uncertain significance. Review status: criteria provided, multiple submitters, no conflicts (2 of 4 stars). 4 submissions from 4 submitters: Uncertain significance (4). Last evaluated 2026-01-26.

Conditions:
Cardiovascular phenotype. Identifiers: MedGen CN230736.
Long QT syndrome (LQTS). Identifiers: MedGen C0023976, MeSH D008133, MONDO:0002442. Disease mechanism: loss of function. Inheritance: Various modes of inheritance.

Allele frequency attached by ClinVar (database versions not stated): gnomAD exomes below 0.00001.

Submissions (4):

Labcorp Genetics (formerly Invitae), Labcorp
Classification: Uncertain significance for Long QT syndrome. Last evaluated: 2026-01-26. Review status: criteria provided, single submitter. Criteria: Invitae Variant Classification Sherloc (09022015). Collection method: clinical testing. Allele origin: germline.
Comment: This sequence change falls in intron 6 of the KCNQ1 gene. It does not directly change the encoded amino acid sequence of the KCNQ1 protein. It affects a nucleotide within the consensus splice site. This variant is not present in population databases (gnomAD no frequency). This variant has been observed in individuals with clinical features of long QT syndrome (external communication, internal data). ClinVar contains an entry for this variant (Variation ID: 200825). Variants that disrupt the consensus splice site are a relatively common cause of aberrant splicing (PMID: 17576681, 9536098). Algorithms developed to predict the effect of sequence changes on RNA splicing suggest that this variant is not likely to affect RNA splicing. In summary, the available evidence is currently insufficient to determine the role of this variant in disease. Therefore, it has been classified as a Variant of Uncertain Significance.

Ambry Genetics
Classification: Uncertain significance for Cardiovascular phenotype. Last evaluated: 2024-04-25. Review status: criteria provided, single submitter. Criteria: Ambry Variant Classification Scheme 2023. Collection method: clinical testing. Allele origin: germline.
Comment: The c.922-3C>A intronic variant results from a C to A substitution 3 nucleotides upstream from coding exon 7 in the KCNQ1 gene. This alteration has been reported in individuals with concerns for long QT syndrome (Ambry internal data). This nucleotide position is not well conserved in available vertebrate species. In silico splice site analysis predicts that this alteration will not have any significant effect on splicing. Based on the available evidence, the clinical significance of this variant remains unclear.

GeneDx
Classification: Uncertain significance. Last evaluated: 2021-11-17. Review status: criteria provided, single submitter. Criteria: GeneDx Variant Classification Process June 2021. Collection method: clinical testing. Allele origin: germline. Affected: yes.
Comment: Has not been previously published as pathogenic or benign to our knowledge; Not observed in large population cohorts (Lek et al., 2016); In silico analysis supports that this variant does not alter splicing; In the absence of RNA/functional studies, the actual effect of this sequence change is unknown; Reported in ClinVar as a variant of uncertain significance (ClinVar Variant ID# 200825; Landrum et al., 2016); This variant is associated with the following publications: (PMID: 26582918)

Women's Health and Genetics/Laboratory Corporation of America, LabCorp
Classification: Uncertain significance. Last evaluated: 2018-07-02. Review status: criteria provided, single submitter. Criteria: LabCorp Variant Classification Summary - May 2015. Collection method: clinical testing. Allele origin: germline.
Comment: Variant summary: KCNQ1 c.922-3C>A alters a non-conserved nucleotide located close to a canonical splice site and therefore could affect mRNA splicing, leading to a significantly altered protein sequence. Several computational tools predict a potential impact on normal splicing: Five predict the variant weakens a 3 acceptor site. However, these predictions have yet to be confirmed by functional studies. The variant was absent in 246154 control chromosomes (gnomAD). The available data on variant occurrences in the general population are insufficient to allow any conclusion about variant significance. To our knowledge, no occurrence of c.922-3C>A in individuals affected with Arrhythmia and no experimental evidence demonstrating its impact on protein function have been reported. Three clinical diagnostic laboratories have submitted clinical-significance assessments for this variant to ClinVar after 2014 without evidence for independent evaluation and classified the variant as uncertain significance. Based on the evidence outlined above, the variant was classified as uncertain significance.

Literature cited by the submitters: PubMed 17576681 (cited by Labcorp Genetics (formerly Invitae), Labcorp); PubMed 9536098 (cited by Labcorp Genetics (formerly Invitae), Labcorp).